The following is an entry in ClinVar:

NM_205836.3(FBXO38):c.34A>G (p.Ile12Val)

Gene: FBXO38 (F-box protein 38; plus strand). Cytogenetic location: 5q32.
Variant type: single nucleotide variant.
Coding change: c.34A>G on transcript NM_205836.3 (MANE Select); coding-DNA position 34, A replaced by G.
Protein change: p.Ile12Val; replaces isoleucine 12 with valine.
Molecular consequence: missense variant.
Genome position (GRCh38, 1-based): chr5:148,394,810, A>G. VCF-style: chr5-148394810-A-G. GRCh37 (hg19) VCF-style: chr5-147774373-A-G.
Other names: c.34A>G, p.Ile12Val (NM_001271723.2, NM_030793.5); short protein forms I12V.
Identifiers: ClinVar variation 1379553 (VCV001379553.6), dbSNP rs1160174748, ClinGen allele CA361653531.

ClinVar aggregate classification (germline): Uncertain significance (1 of 4 stars; one submission).

Conditions:
Distal hereditary motor neuropathy type 2. Identifiers: Orphanet 139525, MedGen C3711384, MeSH C580044, MONDO:0015352.

Allele frequency attached by ClinVar (database versions not stated): gnomAD exomes below 0.00001.
gnomAD v4.1: 2 of 1,600,436 alleles (0.00012%); highest among the groups gnomAD compares: Non-Finnish European, 0.000085%; no homozygotes.

Submission:

Labcorp Genetics (formerly Invitae), Labcorp
Classification: Uncertain significance for Distal hereditary motor neuropathy type 2. Last evaluated: 2024-03-08. Review status: criteria provided, single submitter. Criteria: Invitae Variant Classification Sherloc (09022015). Collection method: clinical testing. Allele origin: germline.
Comment: This sequence change replaces isoleucine, which is neutral and non-polar, with valine, which is neutral and non-polar, at codon 12 of the FBXO38 protein (p.Ile12Val). This variant is not present in population databases (gnomAD no frequency). This variant has not been reported in the literature in individuals affected with FBXO38-related conditions. ClinVar contains an entry for this variant (Variation ID: 1379553). Advanced modeling of protein sequence and biophysical properties (such as structural, functional, and spatial information, amino acid conservation, physicochemical variation, residue mobility, and thermodynamic stability) performed at Invitae indicates that this missense variant is not expected to disrupt FBXO38 protein function with a negative predictive value of 80%. In summary, the available evidence is currently insufficient to determine the role of this variant in disease. Therefore, it has been classified as a Variant of Uncertain Significance.